The following is an entry in ClinVar:

NM_001267727.2(ARSG):c.1441G>A (p.Glu481Lys)

Genes: ARSG (arylsulfatase G; plus strand), PRKAR1A (protein kinase cAMP-dependent type I regulatory subunit alpha; plus strand). Cytogenetic location: 17q24.2.
Variant type: single nucleotide variant.
Coding change: c.1441G>A on transcript NM_001267727.2 (MANE Select); coding-DNA position 1441, G replaced by A.
Protein change: p.Glu481Lys; replaces glutamic acid 481 with lysine.
Molecular consequence: missense variant. On other transcripts: intron variant (3).
Genome position (GRCh38, 1-based): chr17:68,420,326, G>A. VCF-style: chr17-68420326-G-A. GRCh37 (hg19) VCF-style: chr17-66416467-G-A.
Other names: c.1441G>A, p.Glu481Lys (NM_001352899.2, NM_001352900.2, NM_001352901.2 and 2 more transcripts); c.1438G>A, p.Glu480Lys (NM_001352903.2, NM_001352904.2, NM_001352905.2 and 2 more transcripts); c.1303+18876G>A (NM_001352910.2); c.1255+18876G>A (NM_001352909.2); c.-7+6531G>A (NM_001278433.2); short protein forms E481K, E480K.
Identifiers: ClinVar variation 858598 (VCV000858598.8), dbSNP rs370852507, ClinGen allele CA8728581.
Genomic context (GRCh38, chr17:68,420,326, plus strand): 5'-GATACCGCAGAAGCTGTGCCCCTAGAAAGAGGTGGTGCGGAGTACCAGGCTGTGCTGCCC[G>A]AGGTCAGAAAGGTTCTTGCAGACGTCCTCCAAGACATTGCCAACGACAACATCTCCAGCG-3'
Protein context (NP_001254656.1, residues 471-491): GGAEYQAVLP[Glu481Lys]VRKVLADVLQ

ClinVar aggregate classification (germline): Uncertain significance. Review status: criteria provided, multiple submitters, no conflicts (2 of 4 stars). 2 submissions from 2 submitters: Uncertain significance (2). Last evaluated 2024-10-07.

Allele frequency attached by ClinVar (database versions not stated): TOPMed 0.00021; ESP Exome Variant Server 0.00008; gnomAD 0.00026 and 0.00022; ExAC 0.00014; gnomAD exomes 0.00015 and 0.00014.
gnomAD v4.1: 248 of 1,613,986 alleles (0.015%); highest among the groups gnomAD compares: African/African-American, 0.029%; 1 homozygote.

Submissions (2):

Blueprint Genetics
Classification: Uncertain significance. Last evaluated: 2024-10-07. Review status: criteria provided, single submitter. Criteria: ACMG Guidelines, 2015. Collection method: clinical testing. Allele origin: germline.

Labcorp Genetics (formerly Invitae), Labcorp
Classification: Uncertain significance. Last evaluated: 2024-01-22. Review status: criteria provided, single submitter. Criteria: Invitae Variant Classification Sherloc (09022015). Collection method: clinical testing. Allele origin: germline.
Comment: This sequence change replaces glutamic acid, which is acidic and polar, with lysine, which is basic and polar, at codon 481 of the ARSG protein (p.Glu481Lys). This variant is present in population databases (rs370852507, gnomAD 0.03%). This variant has not been reported in the literature in individuals affected with ARSG-related conditions. ClinVar contains an entry for this variant (Variation ID: 858598). Advanced modeling of protein sequence and biophysical properties (such as structural, functional, and spatial information, amino acid conservation, physicochemical variation, residue mobility, and thermodynamic stability) performed at Invitae indicates that this missense variant is not expected to disrupt ARSG protein function with a negative predictive value of 80%. In summary, the available evidence is currently insufficient to determine the role of this variant in disease. Therefore, it has been classified as a Variant of Uncertain Significance.